The following is an entry in ClinVar:

NM_000642.3(AGL):c.3434A>G (p.Tyr1145Cys)

Gene: AGL (amylo-alpha-1,6-glucosidase and 4-alpha-glucanotransferase; plus strand). Cytogenetic location: 1p21.2.
Variant type: single nucleotide variant.
Coding change: c.3434A>G on transcript NM_000642.3 (MANE Select); coding-DNA position 3434, A replaced by G.
Protein change: p.Tyr1145Cys; replaces tyrosine 1145 with cysteine.
Molecular consequence: missense variant.
Genome position (GRCh38, 1-based): chr1:99,900,707, A>G. VCF-style: chr1-99900707-A-G. GRCh37 (hg19) VCF-style: chr1-100366263-A-G.
Other names: c.3434A>G, p.Tyr1145Cys (NM_000028.3, NM_000643.3, NM_000644.3 and 1 more transcripts); c.3386A>G, p.Tyr1129Cys (NM_000646.3); c.3413A>G, p.Tyr1138Cys (NM_001425326.1); c.3233A>G, p.Tyr1078Cys (NM_001425327.1); c.3230A>G, p.Tyr1077Cys (NM_001425328.1); c.3095A>G, p.Tyr1032Cys (NM_001425329.1); c.3056A>G, p.Tyr1019Cys (NM_001425332.1); short protein forms Y1019C, Y1129C, Y1138C, Y1078C, Y1032C, Y1145C, Y1077C.
Identifiers: ClinVar variation 3630928 (VCV003630928.2).

ClinVar aggregate classification (germline): Uncertain significance (1 of 4 stars; one submission).

Conditions:
Glycogen storage disease type III (GSD3). Also called: FORBES DISEASE; Cori disease. Identifiers: Orphanet 366, MedGen C0017922, MONDO:0009291, OMIM 232400.

Submission:

Labcorp Genetics (formerly Invitae), Labcorp
Classification: Uncertain significance for Glycogen storage disease type III. Last evaluated: 2024-06-17. Review status: criteria provided, single submitter. Criteria: Invitae Variant Classification Sherloc (09022015). Collection method: clinical testing. Allele origin: germline.
Comment: This sequence change replaces tyrosine, which is neutral and polar, with cysteine, which is neutral and slightly polar, at codon 1145 of the AGL protein (p.Tyr1145Cys). This variant is not present in population databases (gnomAD no frequency). This variant has not been reported in the literature in individuals affected with AGL-related conditions. Advanced modeling of protein sequence and biophysical properties (such as structural, functional, and spatial information, amino acid conservation, physicochemical variation, residue mobility, and thermodynamic stability) performed at Invitae indicates that this missense variant is not expected to disrupt AGL protein function with a negative predictive value of 80%. In summary, the available evidence is currently insufficient to determine the role of this variant in disease. Therefore, it has been classified as a Variant of Uncertain Significance.